The following is an entry in ClinVar:

ClinVar aggregate classification (germline): Pathogenic (1 of 4 stars; one submission).

Submission:

Labcorp Genetics (formerly Invitae), Labcorp
Classification: Pathogenic. Last evaluated: 2025-10-03. Review status: criteria provided, single submitter. Criteria: Invitae Variant Classification Sherloc (09022015). Collection method: clinical testing. Allele origin: germline.
Comment: This sequence change creates a premature translational stop signal (p.Leu295Trpfs*13) in the COL2A1 gene. It is expected to result in an absent or disrupted protein product. Loss-of-function variants in COL2A1 are known to be pathogenic (PMID: 20179744). This variant is not present in population databases (gnomAD no frequency). This premature translational stop signal has been observed in individual(s) with Stickler syndrome (PMID: 12544472). ClinVar contains an entry for this variant (Variation ID: 1076268). For these reasons, this variant has been classified as Pathogenic.

Literature cited by the submitters: PubMed 20179744; PubMed 12544472.

NM_001844.5(COL2A1):c.883del (p.Leu295fs)

Gene: COL2A1 (collagen type II alpha 1 chain; minus strand). Cytogenetic location: 12q13.11.
Variant type: Deletion.
Coding change: c.883del on transcript NM_001844.5 (MANE Select); coding-DNA position 883, one base deleted (C; older notation c.883delC).
Protein change: p.Leu295fs; shifts the reading frame from leucine 295.
Molecular consequence: frameshift variant.
Genome position (GRCh38, 1-based): chr12:47,993,850, G deleted on the plus strand (C on the coding strand, the reverse complement: COL2A1 is on the minus strand); the first of 2 consecutive G bases (chr12:47,993,850-47,993,851); deleting either gives the same sequence. VCF-style (leftmost placement, unchanged base first): chr12-47993849-AG-A. GRCh37 (hg19) VCF-style: chr12-48387632-AG-A.
Other names: c.676del, p.Leu226fs (NM_033150.3); short protein forms L226fs, L295fs.
Identifiers: ClinVar variation 1076268 (VCV001076268.9), dbSNP rs1939822590, ClinGen allele CA2034477587.